The following is an entry in ClinVar:

NM_002335.4(LRP5):c.3879G>A (p.Glu1293=)

Gene: LRP5 (LDL receptor related protein 5; plus strand). Cytogenetic location: 11q13.2.
Variant type: single nucleotide variant.
Coding change: c.3879G>A on transcript NM_002335.4 (MANE Select); coding-DNA position 3879, G replaced by A.
Protein change: p.Glu1293=; no amino-acid change (glutamic acid 1293 retained).
Molecular consequence: synonymous variant.
Genome position (GRCh38, 1-based): chr11:68,433,717, G>A. VCF-style: chr11-68433717-G-A. GRCh37 (hg19) VCF-style: chr11-68201185-G-A.
Other names: c.2136G>A, p.Glu712= (NM_001291902.2).
Identifiers: ClinVar variation 788702 (VCV000788702.14), dbSNP rs759175453, ClinGen allele CA6150141.

ClinVar aggregate classification (germline): Likely benign. Review status: criteria provided, multiple submitters, no conflicts (2 of 4 stars). 4 submissions from 4 submitters: Likely benign (3). 1 of the submissions does not count toward it. Last evaluated 2026-01-12.

Conditions:
Exudative vitreoretinopathy 1 (EVR1). Also called: CRISWICK-SCHEPENS SYNDROME; FEVR, AUTOSOMAL DOMINANT; Familial exudative vitreoretinopathy, autosomal dominant. Identifiers: Orphanet 891, Orphanet 90050, MedGen C1851402, MONDO:0007589, OMIM 133780.
Autosomal dominant osteopetrosis 1 (OPTA1). Also called: OSTEOPETROSIS, AUTOSOMAL DOMINANT, TYPE I. Identifiers: Orphanet 2783, MedGen C1843330, MONDO:0011877, OMIM 607634.
Osteoporosis with pseudoglioma (OPPG). Also called: osteoporosis-pseudoglioma syndrome. Identifiers: Orphanet 2788, MedGen C0432252, MONDO:0009820, OMIM 259770.
Osteoporosis. Identifiers: MedGen C0029456, MONDO:0005298, OMIM 166710, HP:0000939.
Polycystic liver disease 4 with or without kidney cysts. Identifiers: MedGen C4693479, MONDO:0044327, OMIM 617875.
Bone mineral density quantitative trait locus 1 (BMND1). Identifiers: MedGen C1866079, OMIM 601884.
Exudative vitreoretinopathy 4 (EVR4). Identifiers: Orphanet 891, MedGen C1866176, MONDO:0011151, OMIM 601813.
Worth disease. Also called: OSTEOSCLEROSIS, AUTOSOMAL DOMINANT; ENDOSTEAL HYPEROSTOSIS, AUTOSOMAL DOMINANT; Autosomal dominant osteosclerosis, Worth type. Identifiers: Orphanet 2790, MedGen C0432273, MONDO:0007764, OMIM 144750.
LRP5-related disorder. Also called: LRP5-related condition.

Allele frequency attached by ClinVar (database versions not stated): gnomAD exomes 0.00004 and 0.00019; ExAC 0.00006; TOPMed 0.00018; gnomAD 0.00021.

Submissions (4):

Labcorp Genetics (formerly Invitae), Labcorp
Classification: Likely benign. Last evaluated: 2026-01-12. Review status: criteria provided, single submitter. Criteria: Invitae Variant Classification Sherloc (09022015). Collection method: clinical testing. Allele origin: germline.

Blueprint Genetics
Classification: Likely benign. Last evaluated: 2022-11-21. Review status: criteria provided, single submitter. Criteria: ACMG Guidelines, 2015. Collection method: clinical testing. Allele origin: germline.

Fulgent Genetics
Classification: Likely benign for Exudative vitreoretinopathy 1; Worth disease; Osteoporosis; Osteoporosis with pseudoglioma; Exudative vitreoretinopathy 4; Bone mineral density quantitative trait locus 1; Autosomal dominant osteopetrosis 1; Polycystic liver disease 4 with or without kidney cysts. Last evaluated: 2022-04-19. Review status: criteria provided, single submitter. Criteria: ACMG Guidelines, 2015. Collection method: clinical testing. Allele origin: unknown.

PreventionGenetics, part of Exact Sciences
Classification: Likely benign for LRP5-related condition. Last evaluated: 2019-06-03. Review status: no assertion criteria provided. Collection method: clinical testing. Allele origin: germline. Not counted in ClinVar's aggregate classification.
Comment: This variant is classified as likely benign based on ACMG/AMP sequence variant interpretation guidelines (Richards et al. 2015 PMID: 25741868, with internal and published modifications).